The following is an entry in ClinVar:

NM_001382391.1(CSPP1):c.140dup (p.Ile48fs)

Gene: CSPP1 (centrosome and spindle pole associated protein 1; plus strand). Cytogenetic location: 8q13.1.
Variant type: Duplication.
Coding change: c.140dup on transcript NM_001382391.1 (MANE Select); coding-DNA position 140, one base duplicated (T; older notation c.140dupT).
Protein change: p.Ile48fs; shifts the reading frame from isoleucine 48.
Molecular consequence: frameshift variant.
Genome position (GRCh38, 1-based): chr8:67,076,522, T duplicated. VCF-style (leftmost placement, unchanged base first): chr8-67076521-C-CT. GRCh37 (hg19) VCF-style: chr8-67988756-C-CT.
Other names: c.248dup, p.Ile84Aspfs (NM_024790.7); c.140dup, p.Ile48fs (NM_001363131.2, NM_001363132.2, NM_001363133.2); c.248dup, p.Ile84fs (NM_001364869.1, NM_001364870.1); short protein forms I48fs, I84fs.
Identifiers: ClinVar variation 2803716 (VCV002803716.3), dbSNP rs2488286486, ClinGen allele CA2739268830.
Genomic context (GRCh38, chr8:67,076,521, plus strand): 5'-TAAACATTATGTCTCTTTCAGGGAAAGTTGTCAGCGAAGCTTTCTGAAAACAGTAAGATA[C>CT]TGATCTCTATGGCTAAGGAAAACATACCACCAAATAGTCAACAGACCAGGGGTTCCTTAG-3'

ClinVar aggregate classification (germline): Pathogenic (1 of 4 stars; one submission).

Conditions:
Joubert syndrome 21 (JBTS21). Identifiers: MedGen C3810212, MONDO:0014288, OMIM 615636.

Submission:

Labcorp Genetics (formerly Invitae), Labcorp
Classification: Pathogenic for Joubert syndrome 21. Last evaluated: 2022-10-27. Review status: criteria provided, single submitter. Criteria: Invitae Variant Classification Sherloc (09022015). Collection method: clinical testing. Allele origin: germline.
Comment: This variant has not been reported in the literature in individuals affected with CSPP1-related conditions. This variant is not present in population databases (gnomAD no frequency). This sequence change creates a premature translational stop signal (p.Ile84Aspfs*5) in the CSPP1 gene. It is expected to result in an absent or disrupted protein product. Loss-of-function variants in CSPP1 are known to be pathogenic (PMID: 24360807, 24360808). For these reasons, this variant has been classified as Pathogenic.

Literature cited by the submitters: PubMed 24360807; PubMed 24360808.